The following is an entry in ClinVar:

NM_020708.5(SLC12A5):c.2879C>G (p.Ala960Gly)

Gene: SLC12A5 (solute carrier family 12 member 5; plus strand). Cytogenetic location: 20q13.12.
Variant type: single nucleotide variant.
Coding change: c.2879C>G on transcript NM_020708.5 (MANE Select); coding-DNA position 2879, C replaced by G.
Protein change: p.Ala960Gly; replaces alanine 960 with glycine.
Molecular consequence: missense variant.
Genome position (GRCh38, 1-based): chr20:46,056,241, C>G. VCF-style: chr20-46056241-C-G. GRCh37 (hg19) VCF-style: chr20-44684880-C-G.
Other names: c.2948C>G, p.Ala983Gly (NM_001134771.2); short protein forms A960G, A983G.
Identifiers: ClinVar variation 1430416 (VCV001430416.5), dbSNP rs775224780, ClinGen allele CA9887729.
Genomic context (GRCh38, chr20:46,056,241, plus strand): 5'-CAATCCGGAGAAAGAATCCAGCCAACACGCGGCTCCGCCTGAACGTCCCAGAAGAGACGG[C>G]TGGTGACAGTGAAGAGAAGCCAGAGGAGGAGGTGTGCAGCTTGGGTGGTTTGGCCCCAAC-3'
Protein context (NP_065759.1, residues 950-970): RLRLNVPEET[Ala960Gly]GDSEEKPEEE

ClinVar aggregate classification (germline): Uncertain significance (1 of 4 stars; one submission).

Conditions:
Developmental and epileptic encephalopathy, 34 (DEE34). Also called: SLC12A5-Related Epilepsy of Infancy with Migrating Focal Seizures; Early infantile epileptic encephalopathy 34. Identifiers: Orphanet 293181, MedGen C4225257, MONDO:0014718, OMIM 616645.

Allele frequency attached by ClinVar (database versions not stated): ExAC 0.00001; gnomAD 0.00001; gnomAD exomes 0.00001.
gnomAD v4.1: 13 of 1,614,044 alleles (0.00081%); highest among the groups gnomAD compares: Middle Eastern, 0.016%; no homozygotes.

Submission:

Labcorp Genetics (formerly Invitae), Labcorp
Classification: Uncertain significance for Developmental and epileptic encephalopathy, 34. Last evaluated: 2022-02-08. Review status: criteria provided, single submitter. Criteria: Invitae Variant Classification Sherloc (09022015). Collection method: clinical testing. Allele origin: germline.
Comment: This sequence change replaces alanine, which is neutral and non-polar, with glycine, which is neutral and non-polar, at codon 960 of the SLC12A5 protein (p.Ala960Gly). This variant is present in population databases (rs775224780, gnomAD 0.003%). This variant has not been reported in the literature in individuals affected with SLC12A5-related conditions. Advanced modeling of protein sequence and biophysical properties (such as structural, functional, and spatial information, amino acid conservation, physicochemical variation, residue mobility, and thermodynamic stability) performed at Invitae indicates that this missense variant is not expected to disrupt SLC12A5 protein function. In summary, the available evidence is currently insufficient to determine the role of this variant in disease. Therefore, it has been classified as a Variant of Uncertain Significance.